The following is an entry in ClinVar:

ClinVar aggregate classification (germline): Uncertain significance (1 of 4 stars; one submission).

gnomAD v4.1: 4 of 1,015,474 alleles (0.00039%); highest among the groups gnomAD compares: Non-Finnish European, 0.00035%; no homozygotes.

Submission:

Labcorp Genetics (formerly Invitae), Labcorp
Classification: Uncertain significance. Last evaluated: 2025-09-05. Review status: criteria provided, single submitter. Criteria: Invitae Variant Classification Sherloc (09022015). Collection method: clinical testing. Allele origin: germline.
Comment: This sequence change replaces alanine, which is neutral and non-polar, with serine, which is neutral and polar, at codon 75 of the MNX1 protein (p.Ala75Ser). The frequency data for this variant in the population databases is considered unreliable, as metrics indicate insufficient coverage at this position in the gnomAD database. This variant has not been reported in the literature in individuals affected with MNX1-related conditions. Invitae Evidence Modeling of protein sequence and biophysical properties (such as structural, functional, and spatial information, amino acid conservation, physicochemical variation, residue mobility, and thermodynamic stability) indicates that this missense variant is not expected to disrupt MNX1 protein function with a negative predictive value of 80%. In summary, the available evidence is currently insufficient to determine the role of this variant in disease. Therefore, it has been classified as a Variant of Uncertain Significance.

NM_005515.4(MNX1):c.223G>T (p.Ala75Ser)

Gene: MNX1 (motor neuron and pancreas homeobox 1; minus strand). Cytogenetic location: 7q36.3.
Variant type: single nucleotide variant.
Coding change: c.223G>T on transcript NM_005515.4 (MANE Select); coding-DNA position 223, G replaced by T.
Protein change: p.Ala75Ser; replaces alanine 75 with serine.
Molecular consequence: missense variant.
Genome position (GRCh38, 1-based): chr7:157,010,128, C>A on the plus strand (G>T on the coding strand, the complement: MNX1 is on the minus strand). VCF-style: chr7-157010128-C-A. GRCh37 (hg19) VCF-style: chr7-156802822-C-A.
Other names: short protein forms A75S.
Identifiers: ClinVar variation 4690639 (VCV004690639.1).
Genomic context (GRCh38, chr7:157,010,128, plus strand): 5'-CCGGCTTGGGCAGCAGCGCGCAGTGCGCGGCCAGCAGGCGCGGCGGCGACGGGCTCTCGG[C>A]GCGCAGGCGGTCGGCGGGCGCAGCCGGCGGCTCCGAGGACGCGGGGCTGCAGCTGCCGCT-3'
Protein context (NP_005506.3, residues 65-85): PPAAPADRLR[Ala75Ser]ESPSPPRLLA